The following is an entry in ClinVar:

NM_003265.3(TLR3):c.2702del (p.Asn901fs)

Gene: TLR3 (toll like receptor 3; plus strand). Cytogenetic location: 4q35.1.
Variant type: Deletion.
Coding change: c.2702del on transcript NM_003265.3 (MANE Select); coding-DNA position 2702, one base deleted (A; older notation c.2702delA).
Protein change: p.Asn901fs; shifts the reading frame from asparagine 901.
Molecular consequence: frameshift variant.
Genome position (GRCh38, 1-based): chr4:186,084,860, A deleted; the last of 5 consecutive A bases (chr4:186,084,856-186,084,860); deleting any one gives the same sequence. VCF-style (leftmost placement, unchanged base first): chr4-186084855-CA-C. GRCh37 (hg19) VCF-style: chr4-187006009-CA-C.
Other names: short protein forms N901fs.
Identifiers: ClinVar variation 4721154 (VCV004721154.1).

ClinVar aggregate classification (germline): Uncertain significance (1 of 4 stars; one submission).

Conditions:
Encephalopathy, acute, infection-induced (herpes-specific), susceptibility to, 1. Also called: Herpes simplex encephalitis, susceptibility to, 1. Identifiers: Orphanet 1930, MedGen C2750180, MONDO:0024563, OMIM 610551.

Submission:

Labcorp Genetics (formerly Invitae), Labcorp
Classification: Uncertain significance for Encephalopathy, acute, infection-induced (herpes-specific), susceptibility to, 1. Last evaluated: 2025-06-10. Review status: criteria provided, single submitter. Criteria: Invitae Variant Classification Sherloc (09022015). Collection method: clinical testing. Allele origin: germline.
Comment: This sequence change is expected to alter the c-terminus of the TLR3 protein (p.Asn901Thrfs*8). While this is not anticipated to result in nonsense mediated decay, it is expected to disrupt the last 4 amino acid(s) of the TLR3 protein and extend the protein by 3 additional amino acid residues. This variant is not present in population databases (gnomAD no frequency). This variant has not been reported in the literature in individuals affected with TLR3-related conditions. Experimental studies and prediction algorithms are not available or were not evaluated, and the functional significance of this variant is currently unknown. In summary, the available evidence is currently insufficient to determine the role of this variant in disease. Therefore, it has been classified as a Variant of Uncertain Significance.